The following is an entry in ClinVar:

ClinVar aggregate classification (germline): Uncertain significance (1 of 4 stars; one submission).

Conditions:
Neuropathy, hereditary motor and sensory, type 6B (HMSN6B). Also called: HMSN VIB; CHARCOT-MARIE-TOOTH DISEASE, TYPE 6B; NEUROPATHY, HEREDITARY MOTOR AND SENSORY, TYPE VIB, WITH OPTIC ATROPHY; Neuropathy, hereditary motor and sensory, type VIB. Identifiers: MedGen C4225302, MONDO:0014671, OMIM 616505.

Submission:

Labcorp Genetics (formerly Invitae), Labcorp
Classification: Uncertain significance for Neuropathy, hereditary motor and sensory, type 6B. Last evaluated: 2025-06-02. Review status: criteria provided, single submitter. Criteria: Invitae Variant Classification Sherloc (09022015). Collection method: clinical testing. Allele origin: germline.
Comment: This sequence change replaces threonine, which is neutral and polar, with alanine, which is neutral and non-polar, at codon 71 of the SLC25A46 protein (p.Thr71Ala). This variant is not present in population databases (gnomAD no frequency). This variant has not been reported in the literature in individuals affected with SLC25A46-related conditions. ClinVar contains an entry for this variant (Variation ID: 2760127). An algorithm developed to predict the effect of missense changes on protein structure and function outputs the following: PolyPhen-2: "Benign". The alanine amino acid residue is found in multiple mammalian species, which suggests that this missense change does not adversely affect protein function. In summary, the available evidence is currently insufficient to determine the role of this variant in disease. Therefore, it has been classified as a Variant of Uncertain Significance.

NM_138773.4(SLC25A46):c.211A>G (p.Thr71Ala)

Gene: SLC25A46 (solute carrier family 25 member 46; plus strand). Cytogenetic location: 5q22.1.
Variant type: single nucleotide variant.
Coding change: c.211A>G on transcript NM_138773.4 (MANE Select); coding-DNA position 211, A replaced by G.
Protein change: p.Thr71Ala; replaces threonine 71 with alanine.
Molecular consequence: missense variant. On other transcripts: non-coding transcript variant (1), intron variant (1).
Genome position (GRCh38, 1-based): chr5:110,739,330, A>G. VCF-style: chr5-110739330-A-G. GRCh37 (hg19) VCF-style: chr5-110075031-A-G.
Other names: c.211A>G, p.Thr71Ala (NM_001303249.3); c.10+1083A>G (NM_001303250.3); short protein forms T71A.
Identifiers: ClinVar variation 2760127 (VCV002760127.3), dbSNP rs2547515812, ClinGen allele CA360693368.